The following is an entry in ClinVar:

ClinVar aggregate classification (germline): Uncertain significance (1 of 4 stars; one submission).

gnomAD v4.1: 1 of 1,609,414 alleles (0.000062%); highest among the groups gnomAD compares: Non-Finnish European, 0.000085%; no homozygotes.

Submission:

GeneDx
Classification: Uncertain significance. Last evaluated: 2024-12-18. Review status: criteria provided, single submitter. Criteria: GeneDx Variant Classification Process June 2021. Collection method: clinical testing. Allele origin: germline. Affected: yes.
Comment: Not observed at significant frequency in large population cohorts (gnomAD); In silico analysis indicates that this missense variant does not alter protein structure/function; Has not been previously published as pathogenic or benign to our knowledge; This substitution is predicted to be within the C-terminal cytoplasmic domain

NM_172107.4(KCNQ2):c.1391G>A (p.Arg464Lys)

Gene: KCNQ2 (potassium voltage-gated channel subfamily Q member 2; minus strand). Cytogenetic location: 20q13.33.
Variant type: single nucleotide variant.
Coding change: c.1391G>A on transcript NM_172107.4 (MANE Select); coding-DNA position 1391, G replaced by A.
Protein change: p.Arg464Lys; replaces arginine 464 with lysine.
Molecular consequence: missense variant.
Genome position (GRCh38, 1-based): chr20:63,415,037, C>T on the plus strand (G>A on the coding strand, the complement: KCNQ2 is on the minus strand). VCF-style: chr20-63415037-C-T. GRCh37 (hg19) VCF-style: chr20-62046390-C-T.
Other names: c.1337G>A, p.Arg446Lys (NM_001382235.1, NM_172106.3); c.1307G>A, p.Arg436Lys (NM_004518.6); c.1301G>A, p.Arg434Lys (NM_172108.5); short protein forms R434K, R436K, R446K, R464K.
Identifiers: ClinVar variation 3906813 (VCV003906813.1).
Genomic context (GRCh38, chr20:63,415,037, plus strand): 5'-CAGCTCTTGGGCACCTTGCTGGGGCTGTCCTCGAGGCTCTGGTCGGCGCTGGGTGACCGC[C>T]TCACAGTCTGGGCCTGCGGGGACCCCTTCCCCTTGGCAGCCACGCCTCGGGGGCTGGAGA-3'
Protein context (NP_742105.1, residues 454-474): GKGSPQAQTV[Arg464Lys]RSPSADQSLE